The following is an entry in ClinVar:

ClinVar aggregate classification (germline): Uncertain significance (1 of 4 stars; one submission).

Conditions:
Hypercholesterolemia, autosomal dominant, type B (FHCL2). Also called: HYPERCHOLESTEROLEMIA, FAMILIAL, DUE TO LIGAND-DEFECTIVE APOLIPOPROTEIN B; Hyperlipoproteinemia Type IIb; Familial hypercholesterolemia 2; APOB-Related Familial Hypercholesterolemia, Autosomal Dominant; Familial Hypercholesterolemia Type B; APOLIPOPROTEIN B-100, FAMILIAL DEFECTIVE. Identifiers: MedGen C1704417, MONDO:0007751, OMIM 144010.

Submission:

Institute of Human Genetics, Medical University Innsbruck
Classification: Uncertain significance for Hypercholesterolemia, autosomal dominant, type B. Last evaluated: 2022-02-10. Review status: criteria provided, single submitter. Criteria: ACMG Guidelines, 2015. Collection method: clinical testing. Allele origin: germline. Affected: yes. Observed: 1 variant allele.
Comment: Transition from A to G in exon 22

NM_000384.3(APOB):c.3446A>G (p.Gln1149Arg)

Gene: APOB (apolipoprotein B; minus strand). Cytogenetic location: 2p24.1.
Variant type: single nucleotide variant.
Coding change: c.3446A>G on transcript NM_000384.3 (MANE Select); coding-DNA position 3446, A replaced by G.
Protein change: p.Gln1149Arg; replaces glutamine 1149 with arginine.
Molecular consequence: missense variant.
Genome position (GRCh38, 1-based): chr2:21,015,432, T>C on the plus strand (A>G on the coding strand, the complement: APOB is on the minus strand). VCF-style: chr2-21015432-T-C. GRCh37 (hg19) VCF-style: chr2-21238304-T-C.
Other names: short protein forms Q1149R.
Identifiers: ClinVar variation 1341571 (VCV001341571.2), dbSNP rs2103362933, ClinGen allele CA346009070.
Genomic context (GRCh38, chr2:21,015,432, plus strand): 5'-TAATGCCATGCCACCCTCTTGGAAACTGTGGAGCCATAAGCTGTAGCAGATGAGTCCATT[T>C]GGAGAAGCAGTTTGGCAGGCGACCAGTGGGCGAGGATCTCACTTCTGGCTTCTGCTTGCA-3'
Protein context (NP_000375.3, residues 1139-1159): AHWSPAKLLL[Gln1149Arg]MDSSATAYGS